The following is an entry in ClinVar:

NM_001370658.1(BTD):c.1466C>T (p.Pro489Leu)

Gene: BTD (biotinidase; plus strand). Cytogenetic location: 3p25.1.
Variant type: single nucleotide variant.
Coding change: c.1466C>T on transcript NM_001370658.1 (MANE Select); coding-DNA position 1466, C replaced by T.
Protein change: p.Pro489Leu; replaces proline 489 with leucine.
Molecular consequence: missense variant. On other transcripts: intron variant (8).
Genome position (GRCh38, 1-based): chr3:15,645,382, C>T. VCF-style: chr3-15645382-C-T. GRCh37 (hg19) VCF-style: chr3-15686889-C-T.
Other names: c.1466C>T, p.Pro489Leu (NM_001281723.4, NM_001281724.3, NM_001281725.3 and 16 more transcripts); c.1015+451C>T (NM_001370752.1, NM_001407379.1); c.399+3325C>T (NM_001370753.1, NM_001407400.1, NM_001407380.1 and 3 more transcripts); short protein forms P489L.
Identifiers: ClinVar variation 3339167 (VCV003339167.1).

ClinVar aggregate classification (germline): Uncertain significance (1 of 4 stars; one submission).

Submission:

Women's Health and Genetics/Laboratory Corporation of America, LabCorp
Classification: Uncertain significance. Last evaluated: 2024-07-03. Review status: criteria provided, single submitter. Criteria: LabCorp Variant Classification Summary - May 2015. Collection method: clinical testing. Allele origin: germline.
Comment: Variant summary: BTD c.1466C>T (p.Pro489Leu) results in a non-conservative amino acid change in the encoded protein sequence. Four of four in-silico tools predict a damaging effect of the variant on protein function. The variant was absent in 251238 control chromosomes. The available data on variant occurrences in the general population are insufficient to allow any conclusion about variant significance. To our knowledge, no occurrence of c.1466C>T in individuals affected with Biotinidase Deficiency and no experimental evidence demonstrating its impact on protein function have been reported. No submitters have cited clinical-significance assessments for this variant to ClinVar. Based on the evidence outlined above, the variant was classified as uncertain significance.